The following is an entry in ClinVar:

ClinVar aggregate classification (germline): Pathogenic (1 of 4 stars; one submission).

Conditions:
Pheochromocytoma. Also called: MAX-Related Hereditary Paraganglioma-Pheochromocytoma Syndrome. Identifiers: Orphanet 29072, MedGen C0031511, MONDO:0008233, OMIM 171300, HP:0002666.
Gastrointestinal stromal tumor. Also called: Gastrointestinal stroma tumor; Gastrointestinal stromal tumor, somatic. Identifiers: Orphanet 44890, MedGen C0238198, MeSH D046152, MONDO:0011719, OMIM 606764, HP:0100723.
Pheochromocytoma/paraganglioma syndrome 4. Also called: CAROTID BODY TUMORS AND MULTIPLE EXTRAADRENAL PHEOCHROMOCYTOMAS; PARAGANGLIOMA, FAMILIAL MALIGNANT; PARAGANGLIOMAS, HEREDITARY EXTRAADRENAL; PHEOCHROMOCYTOMA, FAMILIAL EXTRAADRENAL; Paragangliomas 4; SDHB-Related Hereditary Paraganglioma-Pheochromocytoma Syndrome (Paragangliomas 4). Identifiers: Orphanet 29072, MedGen C1861848, MONDO:0007273, OMIM 115310.

Submission:

Labcorp Genetics (formerly Invitae), Labcorp
Classification: Pathogenic for Gastrointestinal stromal tumor; Pheochromocytoma/paraganglioma syndrome 4; Pheochromocytoma. Last evaluated: 2025-07-08. Review status: criteria provided, single submitter. Criteria: Invitae Variant Classification Sherloc (09022015). Collection method: clinical testing. Allele origin: germline.
Comment: This sequence change creates a premature translational stop signal (p.Ser85Tyrfs*33) in the SDHB gene. It is expected to result in an absent or disrupted protein product. Loss-of-function variants in SDHB are known to be pathogenic (PMID: 19454582, 19802898). This variant is not present in population databases (gnomAD no frequency). This variant has not been reported in the literature in individuals affected with SDHB-related conditions. For these reasons, this variant has been classified as Pathogenic.

Literature cited by the submitters: PubMed 19454582; PubMed 19802898.

NM_003000.3(SDHB):c.254_255del (p.Ser85fs)

Gene: SDHB (succinate dehydrogenase complex iron sulfur subunit B; minus strand). Cytogenetic location: 1p36.13.
Variant type: Microsatellite.
Coding change: c.254_255del on transcript NM_003000.3 (MANE Select); coding-DNA positions 254 to 255, 2 bases deleted (CT; older notation c.254_255delCT).
Protein change: p.Ser85fs; shifts the reading frame from serine 85.
Molecular consequence: frameshift variant.
Genome position (GRCh38, 1-based): chr1:17,033,091-17,033,092, AG deleted on the plus strand (CT on the coding strand, the reverse complement: SDHB is on the minus strand); deleting any 2 consecutive bases within chr1:17,033,091-17,033,094 gives the same sequence; the c. name uses the placement nearest the transcript's 3' end. VCF-style (leftmost placement, unchanged base first): chr1-17033090-TAG-T. GRCh37 (hg19) VCF-style: chr1-17359585-TAG-T.
Other names: c.254_255del, p.Ser85fs (NM_001407361.1); short protein forms S85fs.
Identifiers: ClinVar variation 4785502 (VCV004785502.1).